The following is an entry in ClinVar:

ClinVar aggregate classification (germline): Pathogenic. Review status: criteria provided, multiple submitters, no conflicts (2 of 4 stars). 2 submissions from 2 submitters: Pathogenic (2). Last evaluated 2024-05-10.

Allele frequency attached by ClinVar (database versions not stated): gnomAD exomes below 0.00001.

Submissions (2):

Dasa
Classification: Pathogenic. Last evaluated: 2024-05-10. Review status: criteria provided, single submitter. Criteria: DASA Assertion Criteria. Collection method: clinical testing. Allele origin: germline.
Comment: NM_001039141.3(TRIOBP):c.1342del (p.Arg448Glufs*431) is a frameshift variant in TRIOBP predicted to alter the reading frame and introduce a premature termination codon and is predicted to result in an absent or altered protein product. Loss of function is an established disease mechanism for TRIOBP-associated disorders. This variant has been reported in individuals with TRIOBP-related disorders. Also, this variant is rare in population databases. Based on the currently available evidence, this variant is classified as pathogenic.

Labcorp Genetics (formerly Invitae), Labcorp
Classification: Pathogenic. Last evaluated: 2023-09-20. Review status: criteria provided, single submitter. Criteria: Invitae Variant Classification Sherloc (09022015). Collection method: clinical testing. Allele origin: germline.
Comment: For these reasons, this variant has been classified as Pathogenic. This variant has not been reported in the literature in individuals affected with TRIOBP-related conditions. This variant is present in population databases (no rsID available, gnomAD 0.006%). This sequence change creates a premature translational stop signal (p.Arg448Glufs*431) in the TRIOBP gene. It is expected to result in an absent or disrupted protein product. Loss-of-function variants in TRIOBP are known to be pathogenic (PMID: 16385457, 16385458, 20510926).

Literature cited by the submitters: PubMed 16385457 (cited by Labcorp Genetics (formerly Invitae), Labcorp); PubMed 16385458 (cited by Labcorp Genetics (formerly Invitae), Labcorp); PubMed 20510926 (cited by Labcorp Genetics (formerly Invitae), Labcorp).

NM_001039141.3(TRIOBP):c.1342del (p.Arg448fs)

Gene: TRIOBP (TRIO and F-actin binding protein; plus strand). Cytogenetic location: 22q13.1.
Variant type: Deletion.
Coding change: c.1342del on transcript NM_001039141.3 (MANE Select); coding-DNA position 1342, one base deleted (C; older notation c.1342delC).
Protein change: p.Arg448fs; shifts the reading frame from arginine 448.
Molecular consequence: frameshift variant.
Genome position (GRCh38, 1-based): chr22:37,723,898, C deleted. VCF-style (leftmost placement, unchanged base first): chr22-37723897-AC-A. GRCh37 (hg19) VCF-style: chr22-38119904-AC-A.
Other names: short protein forms R448fs.
Identifiers: ClinVar variation 2908067 (VCV002908067.5), dbSNP rs1471070334, ClinGen allele CA639394633.